The following is an entry in ClinVar:

NM_000481.4(AMT):c.130del (p.Ala44fs)

Gene: AMT (aminomethyltransferase; minus strand). Cytogenetic location: 3p21.31.
Variant type: Deletion.
Coding change: c.130del on transcript NM_000481.4 (MANE Select); coding-DNA position 130, one base deleted (G; older notation c.130delG).
Protein change: p.Ala44fs; shifts the reading frame from alanine 44.
Molecular consequence: frameshift variant. On other transcripts: non-coding transcript variant (1), intron variant (1).
Genome position (GRCh38, 1-based): chr3:49,422,232, C deleted on the plus strand (G on the coding strand, the reverse complement: AMT is on the minus strand); the first of 2 consecutive C bases (chr3:49,422,232-49,422,233); deleting either gives the same sequence. VCF-style (leftmost placement, unchanged base first): chr3-49422231-GC-G. GRCh37 (hg19) VCF-style: chr3-49459664-GC-G.
Other names: c.130del, p.Ala44fs (NM_001164710.2, NM_001164712.2); c.90+129del (NM_001164711.2); short protein forms A44fs.
Identifiers: ClinVar variation 3239497 (VCV003239497.19), dbSNP rs2471161142.

ClinVar aggregate classification (germline): Pathogenic (1 of 4 stars; one submission).

Submission:

CeGaT Center for Human Genetics Tuebingen
Classification: Pathogenic. Last evaluated: 2024-05-01. Review status: criteria provided, single submitter. Criteria: CeGaT Center For Human Genetics Tuebingen Variant Classification Criteria Version 2. Collection method: clinical testing. Allele origin: germline. Affected: yes. Observed: 1 variant allele.
Comment: AMT: PVS1, PM2